The following is an entry in ClinVar:

NM_005236.3(ERCC4):c.937C>G (p.Leu313Val)

Gene: ERCC4 (ERCC excision repair 4, endonuclease catalytic subunit; plus strand). Cytogenetic location: 16p13.12.
Variant type: single nucleotide variant.
Coding change: c.937C>G on transcript NM_005236.3 (MANE Select); coding-DNA position 937, C replaced by G.
Protein change: p.Leu313Val; replaces leucine 313 with valine.
Molecular consequence: missense variant.
Genome position (GRCh38, 1-based): chr16:13,930,854, C>G. VCF-style: chr16-13930854-C-G. GRCh37 (hg19) VCF-style: chr16-14024711-C-G.
Other names: short protein forms L313V.
Identifiers: ClinVar variation 1713741 (VCV001713741.5), dbSNP rs2543174363, ClinGen allele CA394804771.

ClinVar aggregate classification (germline): Uncertain significance (1 of 4 stars; one submission).

Conditions:
Fanconi anemia complementation group Q. Identifiers: Orphanet 84, MedGen C3808988, MONDO:0014108, OMIM 615272.
Xeroderma pigmentosum, group F (XPF). Also called: XERODERMA PIGMENTOSUM, COMPLEMENTATION GROUP F; XERODERMA PIGMENTOSUM VI; XP, GROUP F; ERCC4-Related Xeroderma Pigmentosum; XERODERMA PIGMENTOSUM, TYPE F; Xeroderma pigmentosum, type 6. Identifiers: MedGen C0268140, MONDO:0010215, OMIM 278760.
Cockayne syndrome. Identifiers: Orphanet 191, MedGen C0009207, MONDO:0016006.

gnomAD v4.1: 1 of 1,613,610 alleles (0.000062%); highest among the groups gnomAD compares: South Asian, 0.0011%; no homozygotes.

Submission:

Labcorp Genetics (formerly Invitae), Labcorp
Classification: Uncertain significance for Fanconi anemia complementation group Q; Xeroderma pigmentosum, group F; Cockayne syndrome. Last evaluated: 2022-07-25. Review status: criteria provided, single submitter. Criteria: Invitae Variant Classification Sherloc (09022015). Collection method: clinical testing. Allele origin: germline.
Comment: In summary, the available evidence is currently insufficient to determine the role of this variant in disease. Therefore, it has been classified as a Variant of Uncertain Significance. Algorithms developed to predict the effect of missense changes on protein structure and function are either unavailable or do not agree on the potential impact of this missense change (SIFT: "Deleterious"; PolyPhen-2: "Benign"; Align-GVGD: "Class C0"). This variant has not been reported in the literature in individuals affected with ERCC4-related conditions. This variant is not present in population databases (gnomAD no frequency). This sequence change replaces leucine, which is neutral and non-polar, with valine, which is neutral and non-polar, at codon 313 of the ERCC4 protein (p.Leu313Val).